The following is an entry in ClinVar:

NM_000718.4(CACNA1B):c.3321del (p.Lys1108fs)

Genes: CACNA1B (calcium voltage-gated channel subunit alpha1 B; plus strand), LOC101928786 (uncharacterized LOC101928786; minus strand). Cytogenetic location: 9q34.3.
Variant type: Deletion.
Coding change: c.3321del on transcript NM_000718.4 (MANE Select); coding-DNA position 3321, one base deleted (G; older notation c.3321delG).
Protein change: p.Lys1108fs; shifts the reading frame from lysine 1108.
Molecular consequence: frameshift variant.
Genome position (GRCh38, 1-based): chr9:138,043,808, G deleted; the last of 4 consecutive G bases (chr9:138,043,805-138,043,808); deleting any one gives the same sequence. VCF-style (leftmost placement, unchanged base first): chr9-138043804-AG-A. GRCh37 (hg19) VCF-style: chr9-140938256-AG-A.
Other names: c.3321del, p.Lys1108fs (NM_001243812.2); short protein forms K1108fs.
Identifiers: ClinVar variation 2807901 (VCV002807901.3), dbSNP rs2539417930, ClinGen allele CA2739265259.

ClinVar aggregate classification (germline): Pathogenic (1 of 4 stars; one submission).

Submission:

Labcorp Genetics (formerly Invitae), Labcorp
Classification: Pathogenic. Last evaluated: 2022-11-02. Review status: criteria provided, single submitter. Criteria: Invitae Variant Classification Sherloc (09022015). Collection method: clinical testing. Allele origin: germline.
Comment: For these reasons, this variant has been classified as Pathogenic. Algorithms developed to predict the effect of sequence changes on RNA splicing suggest that this variant may disrupt the consensus splice site. This variant has not been reported in the literature in individuals affected with CACNA1B-related conditions. This variant is not present in population databases (gnomAD no frequency). This sequence change creates a premature translational stop signal (p.Lys1108Argfs*9) in the CACNA1B gene. It is expected to result in an absent or disrupted protein product. Loss-of-function variants in CACNA1B are known to be pathogenic (PMID: 30982612).

Literature cited by the submitters: PubMed 30982612.